The following is an entry in ClinVar:

NM_012282.4(KCNE5):c.281C>G (p.Pro94Arg)

Gene: KCNE5 (potassium voltage-gated channel subfamily E regulatory subunit 5; minus strand). Cytogenetic location: Xq23.
Variant type: single nucleotide variant.
Coding change: c.281C>G on transcript NM_012282.4 (MANE Select); coding-DNA position 281, C replaced by G.
Protein change: p.Pro94Arg; replaces proline 94 with arginine.
Molecular consequence: missense variant.
Genome position (GRCh38, 1-based): chrX:109,624,740, G>C on the plus strand (C>G on the coding strand, the complement: KCNE5 is on the minus strand). VCF-style: chrX-109624740-G-C. GRCh37 (hg19) VCF-style: chrX-108867969-G-C.
Other names: c.281C>G (NM_012282.2); short protein forms P94R.
Identifiers: ClinVar variation 1355515 (VCV001355515.8), dbSNP rs762719236, ClinGen allele CA10490864.

ClinVar aggregate classification (germline): Uncertain significance. Review status: criteria provided, multiple submitters, no conflicts (2 of 4 stars). 2 submissions from 2 submitters: Uncertain significance (2). Last evaluated 2025-09-04.

Conditions:
Brugada syndrome. Also called: Sudden Unexplained Death Syndrome; Sudden Unexplained Nocturnal Death Syndrome (SUNDS); Sudden unexplained nocturnal death syndrome; Sudden unexpected nocturnal death syndrome. Identifiers: Orphanet 130, MedGen C1142166, MONDO:0015263.

Allele frequency attached by ClinVar (database versions not stated): gnomAD exomes 0.00001; ExAC 0.00004.

Submissions (2):

Labcorp Genetics (formerly Invitae), Labcorp
Classification: Uncertain significance for Brugada syndrome. Last evaluated: 2025-09-04. Review status: criteria provided, single submitter. Criteria: Invitae Variant Classification Sherloc (09022015). Collection method: clinical testing. Allele origin: germline.
Comment: This sequence change replaces proline, which is neutral and non-polar, with arginine, which is basic and polar, at codon 94 of the KCNE5 protein (p.Pro94Arg). This variant is present in population databases (rs762719236, gnomAD 0.008%). This variant has not been reported in the literature in individuals affected with KCNE5-related conditions. ClinVar contains an entry for this variant (Variation ID: 1355515). An algorithm developed to predict the effect of missense changes on protein structure and function (PolyPhen-2) suggests that this variant is likely to be tolerated. In summary, the available evidence is currently insufficient to determine the role of this variant in disease. Therefore, it has been classified as a Variant of Uncertain Significance.

Ambry Genetics
Classification: Uncertain significance. Last evaluated: 2024-08-07. Review status: criteria provided, single submitter. Criteria: Ambry Variant Classification Scheme 2023. Collection method: clinical testing. Allele origin: germline.
Comment: The p.P94R variant (also known as c.281C>G), located in coding exon 1 of the KCNE5 gene, results from a C to G substitution at nucleotide position 281. The proline at codon 94 is replaced by arginine, an amino acid with dissimilar properties. This amino acid position is conserved. In addition, this alteration is predicted to be tolerated by in silico analysis. Based on the available evidence, the clinical significance of this variant remains unclear.